The following is an entry in ClinVar:

ClinVar aggregate classification (germline): Likely pathogenic (1 of 4 stars; one submission).

Submission:

Labcorp Genetics (formerly Invitae), Labcorp
Classification: Likely pathogenic. Last evaluated: 2024-06-23. Review status: criteria provided, single submitter. Criteria: Invitae Variant Classification Sherloc (09022015). Collection method: clinical testing. Allele origin: germline.
Comment: This sequence change affects a donor splice site in intron 5 of the ARSG gene. It is expected to disrupt RNA splicing. Variants that disrupt the donor or acceptor splice site typically lead to a loss of protein function (PMID: 16199547), and loss-of-function variants in ARSG are known to be pathogenic (PMID: 26975023, 34223797). This variant is not present in population databases (gnomAD no frequency). This variant has not been reported in the literature in individuals affected with ARSG-related conditions. Algorithms developed to predict the effect of sequence changes on RNA splicing suggest that this variant may disrupt the consensus splice site. In summary, the currently available evidence indicates that the variant is pathogenic, but additional data are needed to prove that conclusively. Therefore, this variant has been classified as Likely Pathogenic.

Literature cited by the submitters: PubMed 16199547; PubMed 26975023; PubMed 34223797.

NM_001267727.2(ARSG):c.566+1G>A

Gene: ARSG (arylsulfatase G; plus strand). Cytogenetic location: 17q24.2.
Variant type: single nucleotide variant.
Coding change: c.566+1G>A on transcript NM_001267727.2 (MANE Select); the canonical splice donor site of the intron after coding-DNA position 566, G replaced by A.
Molecular consequence: splice donor variant.
Genome position (GRCh38, 1-based): chr17:68,351,687, G>A. VCF-style: chr17-68351687-G-A. GRCh37 (hg19) VCF-style: chr17-66347828-G-A.
Other names: c.566+1G>A (NM_001352904.2, NM_014960.5, NM_001352903.2 and 8 more transcripts); c.518+1G>A (NM_001352909.2).
Identifiers: ClinVar variation 3696549 (VCV003696549.2).